The following is an entry in ClinVar:

ClinVar aggregate classification (germline): Likely pathogenic (1 of 4 stars; one submission).

Conditions:
VEGFA-related disorder. Also called: VEGFA-related condition.

Submission:

PreventionGenetics, part of Exact Sciences
Classification: Likely pathogenic for VEGFA-related condition. Last evaluated: 2023-05-17. Review status: criteria provided, single submitter. Criteria: ACMG Guidelines, 2015. Collection method: clinical testing. Allele origin: germline.
Comment: The VEGFA c.576_589del14 variant is predicted to result in a frameshift and premature protein termination (p.Ala193Profs*50). To our knowledge, this variant has not been reported in the literature or in a large population database, indicating this variant is rare. Frameshift variants in VEGFA are expected to be pathogenic. This variant is interpreted as likely pathogenic.

NM_003376.6(VEGFA):c.576_589del (p.Ala193fs)

Gene: VEGFA (vascular endothelial growth factor A; plus strand). Cytogenetic location: 6p21.1.
Variant type: Deletion.
Coding change: c.576_589del on transcript NM_003376.6 (MANE Select); coding-DNA positions 576 to 589, 14 bases deleted (TGCCTTGCTGCTCT).
Protein change: p.Ala193fs; shifts the reading frame from alanine 193.
Molecular consequence: frameshift variant.
Genome position (GRCh38, 1-based): chr6:43,771,282-43,771,295, TGCCTTGCTGCTCT deleted; deleting any 14 consecutive bases within chr6:43,771,280-43,771,295 gives the same sequence; the c. name uses the placement nearest the transcript's 3' end. VCF-style (leftmost placement, unchanged base first): chr6-43771279-CCTTGCCTTGCTGCT-C. GRCh37 (hg19) VCF-style: chr6-43739016-CCTTGCCTTGCTGCT-C.
Other names: c.576_589del, p.Ala193fs (NM_001025366.3, NM_001025367.3, NM_001025368.3 and 5 more transcripts); c.36_49del, p.Ala13fs (NM_001171623.2, NM_001171624.2, NM_001171625.2 and 7 more transcripts); short protein forms A13fs, A193fs.
Identifiers: ClinVar variation 2632972 (VCV002632972.1), dbSNP rs2533253817, ClinGen allele CA2695198841.
Genomic context (GRCh38, chr6:43,771,279, plus strand): 5'-CGCCGGCCCCGGTCGGGCCTCCGAAACCATGAACTTTCTGCTGTCTTGGGTGCATTGGAG[CCTTGCCTTGCTGCT>C]CTACCTCCACCATGCCAAGGTAAGCGGTCGTGCCCTGCTGGCGCCGCGGGCCGCTGCGAG-3'